The following is an entry in ClinVar:

NM_032043.3(BRIP1):c.1356C>G (p.Asn452Lys)

Gene: BRIP1 (BRCA1 interacting DNA helicase 1; minus strand). Cytogenetic location: 17q23.2.
Variant type: single nucleotide variant.
Coding change: c.1356C>G on transcript NM_032043.3 (MANE Select); coding-DNA position 1356, C replaced by G.
Protein change: p.Asn452Lys; replaces asparagine 452 with lysine.
Molecular consequence: missense variant.
Genome position (GRCh38, 1-based): chr17:61,793,714, G>C on the plus strand (C>G on the coding strand, the complement: BRIP1 is on the minus strand). VCF-style: chr17-61793714-G-C. GRCh37 (hg19) VCF-style: chr17-59871075-G-C.
Other names: short protein forms N452K.
Identifiers: ClinVar variation 942397 (VCV000942397.10), dbSNP rs730881640, ClinGen allele CA400482291.

ClinVar aggregate classification (germline): Uncertain significance (1 of 4 stars; one submission).

Conditions:
Familial cancer of breast. Also called: BREAST CANCER, FAMILIAL; Hereditary breast cancer; hereditary breast carcinoma. Identifiers: Orphanet 227535, MedGen C0346153, MONDO:0016419, OMIM 114480. Disease mechanism: loss of function.
Fanconi anemia complementation group J. Also called: BRIP1-Related Fanconi Anemia. Identifiers: Orphanet 84, MedGen C1836860, MONDO:0012187, OMIM 609054.

Submission:

Labcorp Genetics (formerly Invitae), Labcorp
Classification: Uncertain significance for Familial cancer of breast; Fanconi anemia complementation group J. Last evaluated: 2021-08-06. Review status: criteria provided, single submitter. Criteria: Invitae Variant Classification Sherloc (09022015). Collection method: clinical testing. Allele origin: germline.
Comment: This sequence change replaces asparagine with lysine at codon 452 of the BRIP1 protein (p.Asn452Lys). The asparagine residue is weakly conserved and there is a moderate physicochemical difference between asparagine and lysine. This variant is not present in population databases (ExAC no frequency). This variant has not been reported in the literature in individuals with BRIP1-related conditions. Algorithms developed to predict the effect of missense changes on protein structure and function (SIFT, PolyPhen-2, Align-GVGD) all suggest that this variant is likely to be tolerated, but these predictions have not been confirmed by published functional studies and their clinical significance is uncertain. In summary, the available evidence is currently insufficient to determine the role of this variant in disease. Therefore, it has been classified as a Variant of Uncertain Significance.